The following is an entry in ClinVar:

ClinVar aggregate classification (germline): Uncertain significance (1 of 4 stars; one submission).

Allele frequency attached by ClinVar (database versions not stated): ExAC 0.00002; gnomAD exomes 0.00003; TOPMed 0.00001.
gnomAD v4.1: 40 of 1,609,914 alleles (0.0025%); highest among the groups gnomAD compares: Non-Finnish European, 0.0032%; no homozygotes.

Submissions (2):

Labcorp Genetics (formerly Invitae), Labcorp
Classification: Uncertain significance. Last evaluated: 2022-01-28. Review status: criteria provided, single submitter. Criteria: Invitae Variant Classification Sherloc (09022015). Collection method: clinical testing. Allele origin: germline.
Comment: This sequence change falls in intron 7 of the GTPBP2 gene. It does not directly change the encoded amino acid sequence of the GTPBP2 protein. It affects a nucleotide within the consensus splice site. This variant is present in population databases (rs199987351, gnomAD 0.003%). This variant has not been reported in the literature in individuals affected with GTPBP2-related conditions. Variants that disrupt the consensus splice site are a relatively common cause of aberrant splicing (PMID: 17576681, 9536098). Algorithms developed to predict the effect of sequence changes on RNA splicing suggest that this variant is not likely to affect RNA splicing. In summary, the available evidence is currently insufficient to determine the role of this variant in disease. Therefore, it has been classified as a Variant of Uncertain Significance.

Dr. Peter K. Rogan Lab, Western University
No classification provided (evidence only). Condition: Gastric cancer. Review status: no classification provided. Collection method: in vitro. Allele origin: not applicable. Functional consequence: retained intron. Not counted in ClinVar's aggregate classification.

Literature cited by the submitters: PubMed 17576681 (cited by Labcorp Genetics (formerly Invitae), Labcorp); PubMed 9536098 (cited by Labcorp Genetics (formerly Invitae), Labcorp).

NM_019096.5(GTPBP2):c.1101-3C>T

Gene: GTPBP2 (GTP binding protein 2; minus strand). Cytogenetic location: 6p21.1.
Variant type: single nucleotide variant.
Coding change: c.1101-3C>T on transcript NM_019096.5 (MANE Select); 3 bases into the intron before coding-DNA position 1101, C replaced by T.
Molecular consequence: intron variant.
Genome position (GRCh38, 1-based): chr6:43,624,071, G>A on the plus strand (C>T on the coding strand, the complement: GTPBP2 is on the minus strand). VCF-style: chr6-43624071-G-A. GRCh37 (hg19) VCF-style: chr6-43591808-G-A.
Other names: c.837-3C>T (NM_001286216.2).
Identifiers: ClinVar variation 2185169 (VCV002185169.5), dbSNP rs199987351, ClinGen allele CA3827628.